The following is an entry in ClinVar:

ClinVar aggregate classification (germline): Benign. Review status: reviewed by expert panel (3 of 4 stars). 23 submissions from 20 submitters: Benign (1). 22 of the submissions do not count toward it. Last evaluated 2025-11-11.

Conditions:
Myosin storage myopathy (CMYO7A). Also called: MYOPATHY WITH LYSIS OF TYPE I MYOFIBRILS; MYOPATHY, HYALINE BODY, AUTOSOMAL DOMINANT; MYH7-related late-onset scapuloperoneal muscular dystrophy; Congenital myopathy 7A, myosin storage, autosomal dominant; SCAPULOPERONEAL MUSCULAR DYSTROPHY; SCAPULOPERONEAL SYNDROME, MYOPATHIC TYPE. Identifiers: Orphanet 437572, Orphanet 636965, MedGen C1842160, MONDO:0008409, OMIM 608358.
Cardiovascular phenotype. Identifiers: MedGen CN230736.
Cardiomyopathy (CMYO). Also called: Cardiomyopathies. Identifiers: Orphanet 167848, MedGen C0878544, MONDO:0004994, HP:0001638. Inheritance: Various modes of inheritance.
Hypertrophic cardiomyopathy 1 (CMH1). Also called: MYH7-Related Familial Hypertrophic Cardiomyopathy; Familial hypertrophic cardiomyopathy 1. Identifiers: MedGen C3495498, MONDO:0008647, OMIM 192600.
MYH7-related skeletal myopathy. Also called: Myopathy, distal, 1; Laing distal myopathy; Laing early-onset distal myopathy; MYOPATHY, DISTAL, EARLY-ONSET, AUTOSOMAL DOMINANT; MYOPATHY, LATE DISTAL HEREDITARY. Identifiers: Orphanet 59135, MedGen C4552004, MONDO:0008050, OMIM 160500.
Dilated cardiomyopathy 1S (CMD1S). Identifiers: Orphanet 154, Orphanet 54260, MedGen C1834481, MONDO:0013262, OMIM 613426.
Hypertrophic cardiomyopathy. Also called: HYPERTROPHIC MYOCARDIOPATHY. Identifiers: Orphanet 217569, MedGen C0007194, MeSH D002312, MONDO:0005045, HP:0001639.

Allele frequency attached by ClinVar (database versions not stated): gnomAD exomes 0.30809 and 0.31977; ExAC 0.32119; 1000 Genomes Project 0.37640; 1000 Genomes Project 30x 0.38226; gnomAD 0.41701 and 0.43030; TOPMed 0.43191; ESP Exome Variant Server 0.45471.

Submissions (23):

ClinGen Cardiomyopathy Variant Curation Expert Panel
Classification: Benign for Hypertrophic cardiomyopathy. Last evaluated: 2025-11-11. Review status: reviewed by expert panel. Criteria: ClinGen CMP ACMG Specifications v1. Collection method: curation. Allele origin: germline. Inheritance: Autosomal dominant inheritance.
Comment: The filtering allele frequency of the c.2967T>C (p.Ile989=) variant in the MYH7 gene is 70.48% (7476/10406) of African chromosomes by the Exome Aggregation Consortium, which is a high enough frequency to be classified as benign based on thresholds defined by the ClinGen Inherited Cardiomyopathy Expert Panel (BA1; PMID:29300372).

Labcorp Genetics (formerly Invitae), Labcorp
Classification: Benign for Hypertrophic cardiomyopathy. Last evaluated: 2026-02-04. Review status: criteria provided, single submitter. Criteria: Invitae Variant Classification Sherloc (09022015). Collection method: clinical testing. Allele origin: germline. Not counted in ClinVar's aggregate classification.

Blueprint Genetics
Classification: Benign. Last evaluated: 2024-11-27. Review status: criteria provided, single submitter. Criteria: ACMG Guidelines, 2015. Collection method: clinical testing. Allele origin: germline. Not counted in ClinVar's aggregate classification.

Cohesion Phenomics
Classification: Benign for Cardiomyopathy. Last evaluated: 2022-10-10. Review status: criteria provided, single submitter. Criteria: ACMG Guidelines, 2015. Collection method: clinical testing. Allele origin: germline. Affected: yes. Not counted in ClinVar's aggregate classification.

Molecular Diagnostic Laboratory for Inherited Cardiovascular Disease, Montreal Heart Institute
Classification: Benign. Last evaluated: 2020-05-28. Review status: criteria provided, single submitter. Criteria: ACMG Guidelines, 2015. Collection method: clinical testing. Allele origin: germline. Affected: yes. Not counted in ClinVar's aggregate classification.

Color Diagnostics, LLC DBA Color Health
Classification: Benign for Cardiomyopathy. Last evaluated: 2018-03-15. Review status: criteria provided, single submitter. Criteria: ACMG Guidelines, 2015. Collection method: clinical testing. Allele origin: germline. Not counted in ClinVar's aggregate classification.

Illumina Laboratory Services, Illumina
Classification: Benign for Dilated cardiomyopathy 1S. Last evaluated: 2018-01-13. Review status: criteria provided, single submitter. Criteria: ICSL Variant Classification Criteria 13 December 2019. Collection method: clinical testing. Allele origin: germline. Not counted in ClinVar's aggregate classification.
Comment: This variant was observed in the ICSL laboratory as part of a predisposition screen in an ostensibly healthy population. It had not been previously curated by ICSL or reported in the Human Gene Mutation Database (HGMD: prior to June 1st, 2018), and was therefore a candidate for classification through an automated scoring system. Utilizing variant allele frequency, disease prevalence and penetrance estimates, and inheritance mode, an automated score was calculated to assess if this variant is too frequent to cause the disease. Based on the score and internal cut-off values, a variant classified as benign is not then subjected to further curation. The score for this variant resulted in a classification of benign for this disease.

Illumina Laboratory Services, Illumina
Classification: Benign for MYH7-related skeletal myopathy. Last evaluated: 2018-01-13. Review status: criteria provided, single submitter. Criteria: ICSL Variant Classification Criteria 13 December 2019. Collection method: clinical testing. Allele origin: germline. Not counted in ClinVar's aggregate classification.
Comment: the same text as in the submission from Illumina Laboratory Services, Illumina above.

Illumina Laboratory Services, Illumina
Classification: Benign for Hypertrophic cardiomyopathy 1. Last evaluated: 2018-01-13. Review status: criteria provided, single submitter. Criteria: ICSL Variant Classification Criteria 13 December 2019. Collection method: clinical testing. Allele origin: germline. Not counted in ClinVar's aggregate classification.
Comment: the same text as in the submission from Illumina Laboratory Services, Illumina above.

Illumina Laboratory Services, Illumina
Classification: Benign for Myosin storage myopathy. Last evaluated: 2018-01-13. Review status: criteria provided, single submitter. Criteria: ICSL Variant Classification Criteria 13 December 2019. Collection method: clinical testing. Allele origin: germline. Not counted in ClinVar's aggregate classification.
Comment: the same text as in the submission from Illumina Laboratory Services, Illumina above.

Mayo Clinic Laboratories, Mayo Clinic
Classification: Benign. Last evaluated: 2017-07-24. Review status: criteria provided, single submitter. Criteria: ACMG Guidelines, 2015. Collection method: clinical testing. Allele origin: germline. Observed: 1,420 variant alleles. Not counted in ClinVar's aggregate classification.

Ambry Genetics
Classification: Benign for Cardiovascular phenotype. Last evaluated: 2015-06-16. Review status: criteria provided, single submitter. Criteria: Ambry Variant Classification Scheme 2023. Collection method: clinical testing. Allele origin: germline. Not counted in ClinVar's aggregate classification.

Genetic Services Laboratory, University of Chicago
Classification: Benign for AllHighlyPenetrant. Last evaluated: 2013-08-15. Review status: criteria provided, single submitter. Criteria: ACMG Guidelines, 2007. Collection method: clinical testing. Allele origin: germline. Inheritance: Autosomal dominant inheritance. Not counted in ClinVar's aggregate classification.

GeneDx
Classification: Benign. Last evaluated: 2012-09-25. Review status: criteria provided, single submitter. Criteria: GeneDx Variant Classification (06012015). Collection method: clinical testing. Allele origin: germline. Affected: yes. Not counted in ClinVar's aggregate classification.
Comment: This variant is considered likely benign or benign based on one or more of the following criteria: it is a conservative change, it occurs at a poorly conserved position in the protein, it is predicted to be benign by multiple in silico algorithms, and/or has population frequency not consistent with disease.

Laboratory for Molecular Medicine, Mass General Brigham Personalized Medicine
Classification: Benign. Last evaluated: 2008-01-18. Review status: criteria provided, single submitter. Criteria: LMM Criteria. Collection method: clinical testing. Allele origin: germline. Observed: 2,827 variant alleles. Not counted in ClinVar's aggregate classification.

Breakthrough Genomics
Classification: Benign. Review status: criteria provided, single submitter. Criteria: ACMG Guidelines, 2015. Collection method: not provided. Allele origin: germline. Inheritance: Autosomal recessive inheritance. Affected: yes. Not counted in ClinVar's aggregate classification.

PreventionGenetics, part of Exact Sciences
Classification: Benign. Review status: criteria provided, single submitter. Criteria: ACMG Guidelines, 2015. Collection method: clinical testing. Allele origin: germline. Not counted in ClinVar's aggregate classification.

Clinical Genetics DNA and cytogenetics Diagnostics Lab, Erasmus MC, Erasmus Medical Center
Classification: Benign. Review status: no assertion criteria provided. Collection method: clinical testing. Allele origin: germline. Affected: yes. Study: VKGL Data-share Consensus. Not counted in ClinVar's aggregate classification.

Clinical Genetics, Academic Medical Center
Classification: Benign. Review status: no assertion criteria provided. Collection method: clinical testing. Allele origin: germline. Affected: yes. Study: VKGL Data-share Consensus. Not counted in ClinVar's aggregate classification.

Department of Pathology and Laboratory Medicine, Sinai Health System
Classification: Uncertain significance. Review status: no assertion criteria provided. Collection method: clinical testing. Allele origin: unknown. Affected: yes. Study: The Canadian Open Genetics Repository (COGR). Not counted in ClinVar's aggregate classification.
Comment: 13 reputable source/s reports the variant as benign, but the evidence is not available to the laboratory to perform an independent evaluation. Allele frequency is common in at least one population database (frequency: 71.843% in ExAC) based on the frequency threshold of 0.637% for this gene. Variant was observed in a homozygous state in population databases more than expected for disease. A synonymous variant not located in a splice region.

Diagnostic Laboratory, Department of Genetics, University Medical Center Groningen
Classification: Benign. Review status: no assertion criteria provided. Collection method: clinical testing. Allele origin: germline. Affected: yes. Study: VKGL Data-share Consensus. Not counted in ClinVar's aggregate classification.

Genome Diagnostics Laboratory, University Medical Center Utrecht
Classification: Benign. Review status: no assertion criteria provided. Collection method: clinical testing. Allele origin: germline. Affected: yes. Study: VKGL Data-share Consensus. Not counted in ClinVar's aggregate classification.

Joint Genome Diagnostic Labs from Nijmegen and Maastricht, Radboudumc and MUMC+
Classification: Benign. Review status: no assertion criteria provided. Collection method: clinical testing. Allele origin: germline. Affected: yes. Study: VKGL Data-share Consensus. Not counted in ClinVar's aggregate classification.

Literature cited by the submitters: PubMed 29300372 (cited by ClinGen Cardiomyopathy Variant Curation Expert Panel).

NM_000257.4(MYH7):c.2967T>C (p.Ile989=)

Gene: MYH7 (myosin heavy chain 7; minus strand). Cytogenetic location: 14q11.2.
Variant type: single nucleotide variant.
Coding change: c.2967T>C on transcript NM_000257.4 (MANE Select); coding-DNA position 2967, T replaced by C.
Protein change: p.Ile989=; no amino-acid change (isoleucine 989 retained).
Molecular consequence: synonymous variant.
Genome position (GRCh38, 1-based): chr14:23,423,679, A>G on the plus strand (T>C on the coding strand, the complement: MYH7 is on the minus strand). VCF-style: chr14-23423679-A-G. GRCh37 (hg19) VCF-style: chr14-23892888-A-G.
Other names: p.I989I:ATT>ATC; NM_000257.3(MYH7):c.2967T>C.
Identifiers: ClinVar variation 42942 (VCV000042942.45), dbSNP rs7157716, ClinGen allele CA013242.